The following is an entry in ClinVar:

NM_012123.4(MTO1):c.515G>C (p.Arg172Pro)

Gene: MTO1 (mitochondrial tRNA translation optimization 1; plus strand). Cytogenetic location: 6q13.
Variant type: single nucleotide variant.
Coding change: c.515G>C on transcript NM_012123.4 (MANE Select); coding-DNA position 515, G replaced by C.
Protein change: p.Arg172Pro; replaces arginine 172 with proline.
Molecular consequence: missense variant.
Genome position (GRCh38, 1-based): chr6:73,466,586, G>C. VCF-style: chr6-73466586-G-C. GRCh37 (hg19) VCF-style: chr6-74176309-G-C.
Other names: c.515G>C, p.Arg172Pro (NM_001123226.2, NM_133645.3); short protein forms R172P.
Identifiers: ClinVar variation 2079418 (VCV002079418.4), dbSNP rs764270113, ClinGen allele CA364713113.
Genomic context (GRCh38, chr6:73,466,586, plus strand): 5'-AGGGAGCTGTAGAAGATCTTATTCTTACAGAACCAGAGCCTGAACACACTGGGAAATGCC[G>C]TGTCAGTGGGGTTGTTTTGGGTACGTATTGGTTATAGATGGTGTATGATAACAGCATATC-3'
Protein context (NP_036255.2, residues 162-182): EPEPEHTGKC[Arg172Pro]VSGVVLVDGS

ClinVar aggregate classification (germline): Uncertain significance (1 of 4 stars; one submission).

Conditions:
Mitochondrial hypertrophic cardiomyopathy with lactic acidosis due to MTO1 deficiency. Also called: Combined oxidative phosphorylation deficiency 10; CARDIOMYOPATHY, INFANTILE HYPERTROPHIC MITOCHONDRIAL, AND LACTIC ACIDOSIS. Identifiers: Orphanet 314637, MedGen C4749921, MONDO:0013865, OMIM 614702.

Submission:

Labcorp Genetics (formerly Invitae), Labcorp
Classification: Uncertain significance for Mitochondrial hypertrophic cardiomyopathy with lactic acidosis due to MTO1 deficiency. Last evaluated: 2022-05-10. Review status: criteria provided, single submitter. Criteria: Invitae Variant Classification Sherloc (09022015). Collection method: clinical testing. Allele origin: germline.
Comment: In summary, the available evidence is currently insufficient to determine the role of this variant in disease. Therefore, it has been classified as a Variant of Uncertain Significance. Algorithms developed to predict the effect of missense changes on protein structure and function are either unavailable or do not agree on the potential impact of this missense change (SIFT: "Tolerated"; PolyPhen-2: "Probably Damaging"; Align-GVGD: "Class C0"). This variant has not been reported in the literature in individuals affected with MTO1-related conditions. This variant is not present in population databases (gnomAD no frequency). This sequence change replaces arginine, which is basic and polar, with proline, which is neutral and non-polar, at codon 172 of the MTO1 protein (p.Arg172Pro).